The following is an entry in ClinVar:

NM_004304.5(ALK):c.1571C>G (p.Thr524Ser)

Gene: ALK (ALK receptor tyrosine kinase; minus strand). Cytogenetic location: 2p23.2.
Variant type: single nucleotide variant.
Coding change: c.1571C>G on transcript NM_004304.5 (MANE Select); coding-DNA position 1571, C replaced by G.
Protein change: p.Thr524Ser; replaces threonine 524 with serine.
Molecular consequence: missense variant.
Genome position (GRCh38, 1-based): chr2:29,318,380, G>C on the plus strand (C>G on the coding strand, the complement: ALK is on the minus strand). VCF-style: chr2-29318380-G-C. GRCh37 (hg19) VCF-style: chr2-29541246-G-C.
Other names: short protein forms T524S.
Identifiers: ClinVar variation 1010396 (VCV001010396.8), dbSNP rs771205105, ClinGen allele CA1594605.

ClinVar aggregate classification (germline): Uncertain significance (1 of 4 stars; one submission).

Conditions:
Neuroblastoma, susceptibility to, 3. Also called: ALK-Related Neuroblastic Tumor Susceptibility. Identifiers: Orphanet 635, MedGen C2751681, MONDO:0013083, OMIM 613014.

Allele frequency attached by ClinVar (database versions not stated): gnomAD below 0.00001 and 0.00002; gnomAD exomes 0.00001 and 0.00002; ExAC 0.00002.
gnomAD v4.1: 18 of 1,613,650 alleles (0.0011%); highest among the groups gnomAD compares: South Asian, 0.02%; no homozygotes.

Submission:

Labcorp Genetics (formerly Invitae), Labcorp
Classification: Uncertain significance for Neuroblastoma, susceptibility to, 3. Last evaluated: 2020-08-06. Review status: criteria provided, single submitter. Criteria: Invitae Variant Classification Sherloc (09022015). Collection method: clinical testing. Allele origin: germline.
Comment: In summary, the available evidence is currently insufficient to determine the role of this variant in disease. Therefore, it has been classified as a Variant of Uncertain Significance. Algorithms developed to predict the effect of missense changes on protein structure and function output the following: SIFT: "Tolerated"; PolyPhen-2: "Benign"; Align-GVGD: "Class C0". The serine amino acid residue is found in multiple mammalian species, suggesting that this missense change does not adversely affect protein function. These predictions have not been confirmed by published functional studies and their clinical significance is uncertain. This variant has not been reported in the literature in individuals with ALK-related conditions. This variant is present in population databases (rs771205105, ExAC 0.006%). This sequence change replaces threonine with serine at codon 524 of the ALK protein (p.Thr524Ser). The threonine residue is moderately conserved and there is a small physicochemical difference between threonine and serine.